The following is an entry in ClinVar:

ClinVar aggregate classification (germline): Uncertain significance (1 of 4 stars; one submission).

Conditions:
Hereditary cancer-predisposing syndrome. Also called: Neoplastic Syndromes, Hereditary; Tumor predisposition; Hereditary neoplastic syndrome; Hereditary Cancer Syndrome. Identifiers: Orphanet 140162, MedGen C0027672, MeSH D009386, MONDO:0015356.

Submission:

Ambry Genetics
Classification: Uncertain significance for Hereditary cancer-predisposing syndrome. Last evaluated: 2019-04-01. Review status: criteria provided, single submitter. Criteria: Ambry Variant Classification Scheme 2023. Collection method: clinical testing. Allele origin: germline.
Comment: The p.C215S variant (also known as c.643T>A), located in coding exon 5 of the CDK4 gene, results from a T to A substitution at nucleotide position 643. The cysteine at codon 215 is replaced by serine, an amino acid with dissimilar properties. This amino acid position is highly conserved in available vertebrate species. In addition, this alteration is predicted to be deleterious by in silico analysis. Since supporting evidence is limited at this time, the clinical significance of this alteration remains unclear.

NM_000075.4(CDK4):c.643T>A (p.Cys215Ser)

Genes: TSPAN31 (tetraspanin 31; plus strand), CDK4 (cyclin dependent kinase 4; minus strand). Cytogenetic location: 12q14.1.
Variant type: single nucleotide variant.
Coding change: c.643T>A on transcript NM_000075.4 (MANE Select); coding-DNA position 643, T replaced by A.
Protein change: p.Cys215Ser; replaces cysteine 215 with serine.
Molecular consequence: missense variant. On other transcripts: 3 prime UTR variant (3).
Genome position (GRCh38, 1-based): chr12:57,749,494, A>T on the plus strand (T>A on the coding strand, the complement: CDK4 is on the minus strand). VCF-style: chr12-57749494-A-T. GRCh37 (hg19) VCF-style: chr12-58143277-A-T.
Other names: c.*2204A>T (NM_001330168.2, NM_001330169.2, NM_005981.5); short protein forms C215S.
Identifiers: ClinVar variation 826405 (VCV000826405.4), dbSNP rs1595109029, ClinGen allele CA385544220.
Genomic context (GRCh38, chr12:57,749,494, plus strand): 5'-CTCCCATGTTGGTCACTTACTCAAAGATTTTGCCCAACTGGTCGGCTTCAGAGTTTCCAC[A>T]GAAGAGAGGCCTAAGGTGAGAAGGGATATAAGGTAGCAGTCATTTTCAAAGATATCTTAG-3'
Protein context (NP_000066.1, residues 205-225): AEMFRRKPLF[Cys215Ser]GNSEADQLGK